The following is an entry in ClinVar:

ClinVar aggregate classification (germline): Pathogenic (1 of 4 stars; one submission).

Conditions:
CHD7-related CHARGE syndrome. Identifiers: MedGen CN380413, MONDO:1010178, OMIM 214800.

Submission:

Imagene.me medical diagnostic laboratory, IMAGENE.ME SA
Classification: Pathogenic for CHD7-related CHARGE syndrome. Review status: criteria provided, single submitter. Criteria: IMAGENE.ME Variant Classification SOP 2022. Collection method: clinical testing. Allele origin: germline. Affected: yes.
Comment: Classified according to the IMAGENE.ME variant classification SOP based on the ACMG guidelines as Pathogenic (P): PVS1 + PM2 + PS4_supporting + PP4

NM_017780.4(CHD7):c.5627C>G (p.Ser1876Ter)

Gene: CHD7 (chromodomain helicase DNA binding protein 7; plus strand). Cytogenetic location: 8q12.2.
Variant type: single nucleotide variant.
Coding change: c.5627C>G on transcript NM_017780.4 (MANE Select); coding-DNA position 5627, C replaced by G.
Protein change: p.Ser1876Ter; replaces serine 1876 with a stop codon.
Molecular consequence: nonsense. On other transcripts: intron variant (1).
Genome position (GRCh38, 1-based): chr8:60,851,281, C>G. VCF-style: chr8-60851281-C-G. GRCh37 (hg19) VCF-style: chr8-61763840-C-G.
Other names: c.1717-10948C>G (NM_001316690.1); short protein forms S1876*.
Identifiers: ClinVar variation 4685511 (VCV004685511.1).